The following is an entry in ClinVar:

ClinVar aggregate classification (germline): Benign. Review status: criteria provided, multiple submitters, no conflicts (2 of 4 stars). 7 submissions from 7 submitters: Benign (5). 2 of the submissions do not count toward it. Last evaluated 2026-02-03.

Conditions:
ALG6-congenital disorder of glycosylation 1C (CDG1C). Also called: CDG Ic; Congenital disorder of glycosylation, type Ic; CARBOHYDRATE-DEFICIENT GLYCOPROTEIN SYNDROME, TYPE I, WITH DEFICIENT GLYCOSYLATION OF DOLICHOL-LINKED OLIGOSACCHARIDE; CARBOHYDRATE-DEFICIENT GLYCOPROTEIN SYNDROME, TYPE V; Congenital disorder of glycosylation type 1C. Identifiers: Orphanet 79320, MedGen C2930997, MONDO:0011291, OMIM 603147.

Allele frequency attached by ClinVar (database versions not stated): gnomAD exomes 0.00369 and 0.00959; ExAC 0.01211; 1000 Genomes Project 0.03834; gnomAD 0.03859 and 0.04164; ESP Exome Variant Server 0.04027; TOPMed 0.04342; 1000 Genomes Project 30x 0.04419.

Submissions (7):

Labcorp Genetics (formerly Invitae), Labcorp
Classification: Benign for ALG6-congenital disorder of glycosylation 1C. Last evaluated: 2026-02-03. Review status: criteria provided, single submitter. Criteria: Invitae Variant Classification Sherloc (09022015). Collection method: clinical testing. Allele origin: germline.

Mayo Clinic Laboratories, Mayo Clinic
Classification: Benign. Last evaluated: 2022-03-23. Review status: criteria provided, single submitter. Criteria: ACMG Guidelines, 2015. Collection method: clinical testing. Allele origin: germline. Observed: 16 variant alleles.

Illumina Laboratory Services, Illumina
Classification: Benign for ALG6-congenital disorder of glycosylation 1C. Last evaluated: 2018-01-12. Review status: criteria provided, single submitter. Criteria: ICSL Variant Classification Criteria 13 December 2019. Collection method: clinical testing. Allele origin: germline.
Comment: This variant was observed in the ICSL laboratory as part of a predisposition screen in an ostensibly healthy population. It had not been previously curated by ICSL or reported in the Human Gene Mutation Database (HGMD: prior to June 1st, 2018), and was therefore a candidate for classification through an automated scoring system. Utilizing variant allele frequency, disease prevalence and penetrance estimates, and inheritance mode, an automated score was calculated to assess if this variant is too frequent to cause the disease. Based on the score and internal cut-off values, a variant classified as benign is not then subjected to further curation. The score for this variant resulted in a classification of benign for this disease.

GeneDx
Classification: Benign. Last evaluated: 2016-02-16. Review status: criteria provided, single submitter. Criteria: GeneDx Variant Classification (06012015). Collection method: clinical testing. Allele origin: germline. Affected: yes.
Comment: This variant is considered likely benign or benign based on one or more of the following criteria: it is a conservative change, it occurs at a poorly conserved position in the protein, it is predicted to be benign by multiple in silico algorithms, and/or has population frequency not consistent with disease.

Breakthrough Genomics
Classification: Benign. Review status: criteria provided, single submitter. Criteria: ACMG Guidelines, 2015. Collection method: not provided. Allele origin: germline. Inheritance: Autosomal recessive inheritance. Affected: yes.

Natera, Inc.
Classification: Benign for Congenital disorder of glycosylation type 1c. Last evaluated: 2020-09-16. Review status: no assertion criteria provided. Collection method: clinical testing. Allele origin: germline. Not counted in ClinVar's aggregate classification.

Genetic Services Laboratory, University of Chicago
Classification: Likely benign for AllHighlyPenetrant. Review status: no assertion criteria provided. Collection method: clinical testing. Allele origin: germline. Inheritance: Autosomal recessive inheritance. Not counted in ClinVar's aggregate classification.
Comment: Likely benign based on allele frequency in 1000 Genomes Project or ESP global frequency and its presence in a patient with a rare or unrelated disease phenotype. NOT Sanger confirmed.

NM_013339.4(ALG6):c.981T>C (p.Phe327=)

Gene: ALG6 (ALG6 alpha-1,3-glucosyltransferase; plus strand). Cytogenetic location: 1p31.3.
Variant type: single nucleotide variant.
Coding change: c.981T>C on transcript NM_013339.4 (MANE Select); coding-DNA position 981, T replaced by C.
Protein change: p.Phe327=; no amino-acid change (phenylalanine 327 retained).
Molecular consequence: synonymous variant.
Genome position (GRCh38, 1-based): chr1:63,415,951, T>C. VCF-style: chr1-63415951-T-C. GRCh37 (hg19) VCF-style: chr1-63881622-T-C.
Other names: p.Phe327=; c.981T>C, p.Phe327= (LRG_1260t1).
Identifiers: ClinVar variation 128355 (VCV000128355.20), dbSNP rs75451833, ClinGen allele CA151756.